The following is an entry in ClinVar:

ClinVar aggregate classification (germline): Pathogenic/Likely pathogenic. Review status: criteria provided, multiple submitters, no conflicts (2 of 4 stars). 3 submissions from 3 submitters: Pathogenic (2); Likely pathogenic (1). Last evaluated 2025-03-04.

Conditions:
Retinitis pigmentosa 61 (RP61). Identifiers: Orphanet 791, MedGen C3280041, MONDO:0013610, OMIM 614180.
Neuronal ceroid lipofuscinosis. Also called: Neuronal Ceroid Lipofuscinoses. Identifiers: Orphanet 216, Orphanet 79263, MedGen C0027877, MONDO:0016295. Disease mechanism: loss of function.

Submissions (3):

Myriad Genetics, Inc.
Classification: Pathogenic for Neuronal ceroid lipofuscinosis. Last evaluated: 2025-03-04. Review status: criteria provided, single submitter. Criteria: Myriad Autosomal Dominant, Autosomal Recessive and X-Linked Classification Criteria (2023). Collection method: clinical testing. Allele origin: unknown.
Comment: NM_174878.2(CLRN1):c.555T>A(Y185*) is a nonsense variant classified as pathogenic in the context of usher syndrome type 3. Y185* has not been observed in cases with relevant disease. Relevant functional assessments of this variant are not available in the literature. Y185* has not been observed in referenced population frequency databases. In summary, NM_174878.2(CLRN1):c.555T>A(Y185*) is a nonsense variant in a gene where loss of function is a known mechanism of disease and is predicted to disrupt protein function. Please note: this variant was assessed in the context of healthy population screening.

Labcorp Genetics (formerly Invitae), Labcorp
Classification: Pathogenic. Last evaluated: 2023-08-28. Review status: criteria provided, single submitter. Criteria: Invitae Variant Classification Sherloc (09022015). Collection method: clinical testing. Allele origin: germline.
Comment: For these reasons, this variant has been classified as Pathogenic. This variant disrupts a region of the CLRN1 protein in which other variant(s) (p.Asn202Lys) have been determined to be pathogenic (PMID: 25743179). This suggests that this is a clinically significant region of the protein, and that variants that disrupt it are likely to be disease-causing. This variant has not been reported in the literature in individuals affected with CLRN1-related conditions. This variant is not present in population databases (gnomAD no frequency). This sequence change creates a premature translational stop signal (p.Tyr185*) in the CLRN1 gene. While this is not anticipated to result in nonsense mediated decay, it is expected to disrupt the last 48 amino acid(s) of the CLRN1 protein.

Baylor Genetics
Classification: Likely pathogenic for Retinitis pigmentosa 61. Last evaluated: 2023-01-31. Review status: criteria provided, single submitter. Criteria: ACMG Guidelines, 2015. Collection method: clinical testing. Allele origin: unknown.

Literature cited by the submitters: PubMed 25743179 (cited by Labcorp Genetics (formerly Invitae), Labcorp).

NM_174878.3(CLRN1):c.555T>A (p.Tyr185Ter)

Gene: CLRN1 (clarin 1; minus strand). Cytogenetic location: 3q25.1.
Variant type: single nucleotide variant.
Coding change: c.555T>A on transcript NM_174878.3 (MANE Select); coding-DNA position 555, T replaced by A.
Protein change: p.Tyr185Ter; replaces tyrosine 185 with a stop codon.
Molecular consequence: nonsense. On other transcripts: 3 prime UTR variant (1), non-coding transcript variant (1).
Genome position (GRCh38, 1-based): chr3:150,928,080, A>T on the plus strand (T>A on the coding strand, the complement: CLRN1 is on the minus strand). VCF-style: chr3-150928080-A-T. GRCh37 (hg19) VCF-style: chr3-150645867-A-T.
Other names: c.594T>A, p.Tyr198Ter (NM_001195794.1); c.*169T>A (NM_001256819.2); c.327T>A, p.Tyr109Ter (NM_052995.2); short protein forms Y109*, Y185*, Y198*.
Identifiers: ClinVar variation 2680846 (VCV002680846.5), dbSNP rs2472761635, ClinGen allele CA354953064.